The following is an entry in ClinVar:

ClinVar aggregate classification (germline): Uncertain significance (1 of 4 stars; one submission).

Conditions:
Singleton-Merten syndrome 1 (SGMRT1). Also called: Widened medullary cavities of bone, aortic calcification, abnormal dentition, and muscular weakness; Syndrome of widened medullary cavities of the metacarpals and phalanges, aortic calcification and abnormal dentition. Identifiers: Orphanet 85191, MedGen C4225427, MONDO:0024535, OMIM 182250.
Aicardi-Goutieres syndrome 7 (AGS7). Identifiers: Orphanet 51, MedGen C3888244, MONDO:0014367, OMIM 615846.

Allele frequency attached by ClinVar (database versions not stated): gnomAD exomes below 0.00001.

Submission:

Labcorp Genetics (formerly Invitae), Labcorp
Classification: Uncertain significance for Aicardi-Goutieres syndrome 7; Singleton-Merten syndrome 1. Last evaluated: 2023-12-13. Review status: criteria provided, single submitter. Criteria: Invitae Variant Classification Sherloc (09022015). Collection method: clinical testing. Allele origin: germline.
Comment: This sequence change replaces leucine, which is neutral and non-polar, with phenylalanine, which is neutral and non-polar, at codon 83 of the IFIH1 protein (p.Leu83Phe). This variant is not present in population databases (gnomAD no frequency). This variant has not been reported in the literature in individuals affected with IFIH1-related conditions. Advanced modeling of protein sequence and biophysical properties (such as structural, functional, and spatial information, amino acid conservation, physicochemical variation, residue mobility, and thermodynamic stability) has been performed at Invitae for this missense variant, however the output from this modeling did not meet the statistical confidence thresholds required to predict the impact of this variant on IFIH1 protein function. In summary, the available evidence is currently insufficient to determine the role of this variant in disease. Therefore, it has been classified as a Variant of Uncertain Significance.

NM_022168.4(IFIH1):c.247C>T (p.Leu83Phe)

Gene: IFIH1 (interferon induced with helicase C domain 1; minus strand). Cytogenetic location: 2q24.2.
Variant type: single nucleotide variant.
Coding change: c.247C>T on transcript NM_022168.4 (MANE Select); coding-DNA position 247, C replaced by T.
Protein change: p.Leu83Phe; replaces leucine 83 with phenylalanine.
Molecular consequence: missense variant.
Genome position (GRCh38, 1-based): chr2:162,318,061, G>A on the plus strand (C>T on the coding strand, the complement: IFIH1 is on the minus strand). VCF-style: chr2-162318061-G-A. GRCh37 (hg19) VCF-style: chr2-163174571-G-A.
Other names: short protein forms L83F.
Identifiers: ClinVar variation 2921359 (VCV002921359.3), dbSNP rs2469005877, ClinGen allele CA349013765.
Genomic context (GRCh38, chr2:162,318,061, plus strand): 5'-GCAAGTCCGTGAGCTCAGGGTTCATGTAGCGGGCGGCCAGAGGGCTGCCGGTTCTCCGGA[G>A]GGCCTCCACGAATTCCCGAGTCCAACCAAGGTGCCAGACTCCCTTCTCCAAGGTGCTCAG-3'
Protein context (NP_071451.2, residues 73-93): LGWTREFVEA[Leu83Phe]RRTGSPLAAR